The following is an entry in ClinVar:

ClinVar aggregate classification (germline): Uncertain significance. Review status: criteria provided, multiple submitters, no conflicts (2 of 4 stars). 2 submissions from 2 submitters: Uncertain significance (2). Last evaluated 2025-01-10.

Conditions:
Charcot-Marie-Tooth disease axonal type 2O. Also called: Charcot-Marie-Tooth Neuropathy Type 2O; Charcot-Marie-Tooth disease, axonal, type 20; CHARCOT-MARIE-TOOTH NEUROPATHY, AXONAL, TYPE 2O; CHARCOT-MARIE-TOOTH DISEASE, AXONAL, AUTOSOMAL DOMINANT, TYPE 2O. Identifiers: Orphanet 284232, MedGen C3280220, MONDO:0013644, OMIM 614228.

Allele frequency attached by ClinVar (database versions not stated): gnomAD exomes below 0.00001.
gnomAD v4.1: 2 of 1,614,196 alleles (0.00012%); highest among the groups gnomAD compares: East Asian, 0.0022%; no homozygotes.

Submissions (2):

GeneDx
Classification: Uncertain significance. Last evaluated: 2025-01-10. Review status: criteria provided, single submitter. Criteria: GeneDx Variant Classification Process June 2021. Collection method: clinical testing. Allele origin: germline. Affected: yes.
Comment: Not observed at significant frequency in large population cohorts (gnomAD); In silico analysis supports that this missense variant has a deleterious effect on protein structure/function; Has not been previously published as pathogenic or benign to our knowledge; This variant is associated with the following publications: (PMID: 25512093, 25609763, 26100331)

Labcorp Genetics (formerly Invitae), Labcorp
Classification: Uncertain significance for Charcot-Marie-Tooth disease axonal type 2O. Last evaluated: 2022-06-27. Review status: criteria provided, single submitter. Criteria: Invitae Variant Classification Sherloc (09022015). Collection method: clinical testing. Allele origin: germline.
Comment: Algorithms developed to predict the effect of missense changes on protein structure and function (SIFT, PolyPhen-2, Align-GVGD) all suggest that this variant is likely to be disruptive. This variant has not been reported in the literature in individuals affected with DYNC1H1-related conditions. This variant is not present in population databases (gnomAD no frequency). This sequence change replaces lysine, which is basic and polar, with arginine, which is basic and polar, at codon 3462 of the DYNC1H1 protein (p.Lys3462Arg). In summary, the available evidence is currently insufficient to determine the role of this variant in disease. Therefore, it has been classified as a Variant of Uncertain Significance.

NM_001376.5(DYNC1H1):c.10385A>G (p.Lys3462Arg)

Gene: DYNC1H1 (dynein cytoplasmic 1 heavy chain 1; plus strand). Cytogenetic location: 14q32.31.
Variant type: single nucleotide variant.
Coding change: c.10385A>G on transcript NM_001376.5 (MANE Select); coding-DNA position 10385, A replaced by G.
Protein change: p.Lys3462Arg; replaces lysine 3462 with arginine.
Molecular consequence: missense variant.
Genome position (GRCh38, 1-based): chr14:102,033,456, A>G. VCF-style: chr14-102033456-A-G. GRCh37 (hg19) VCF-style: chr14-102499793-A-G.
Other names: short protein forms K3462R.
Identifiers: ClinVar variation 2011406 (VCV002011406.5), dbSNP rs2503824054, ClinGen allele CA391024912.
Genomic context (GRCh38, chr14:102,033,456, plus strand): 5'-CCAGCATCGCCCGCTACAAGGAGGAATACGCCGTCCTGATCTCAGAGGCCCAGGCCATCA[A>G]GGCAGACCTGGCAGCTGTCGAGGCAAAAGTAAGATTATCATCATTGATCCTCAGCCTTTC-3'
Protein context (NP_001367.2, residues 3452-3472): AVLISEAQAI[Lys3462Arg]ADLAAVEAKV